The following is an entry in ClinVar:

NC_000001.10:g.(?_220088791)_(220445679_?)del

Genes: BPNT1 (3'(2'), 5'-bisphosphate nucleotidase 1; minus strand), EPRS1 (glutamyl-prolyl-tRNA synthetase 1; minus strand), IARS2 (isoleucyl-tRNA synthetase 2, mitochondrial; plus strand), MIR194-1 (microRNA 194-1; minus strand), MIR215 (microRNA 215; minus strand) and 2 more. Cytogenetic location: 1q41.
Variant type: Deletion.
Identifiers: ClinVar variation 2426428 (VCV002426428.3).

ClinVar aggregate classification (germline): Pathogenic (1 of 4 stars; one submission).

Submission:

Labcorp Genetics (formerly Invitae), Labcorp
Classification: Pathogenic. Last evaluated: 2022-06-29. Review status: criteria provided, single submitter. Criteria: Invitae Variant Classification Sherloc (09022015). Collection method: clinical testing. Allele origin: germline.
Comment: A gross deletion of the genomic region encompassing the full coding sequence of the IARS2 gene has been identified. Loss-of-function variants in IARS2 are known to be pathogenic (PMID: 33327715). The boundaries of this event are unknown as they extend beyond the assayed region for this gene and therefore may encompass additional genes. This variant has not been reported in the literature in individuals affected with IARS2-related conditions. For these reasons, this variant has been classified as Pathogenic.

Literature cited by the submitters: PubMed 33327715.